The following is an entry in ClinVar:

ClinVar aggregate classification (germline): Uncertain significance (1 of 4 stars; one submission).

Conditions:
Bethlem myopathy 2 (BTHLM2). Identifiers: Orphanet 536516, Orphanet 610, MedGen C4225313, MONDO:0034022, OMIM 616471.

Submission:

Neuberg Centre For Genomic Medicine, NCGM
Classification: Uncertain significance for Bethlem myopathy 2. Review status: criteria provided, single submitter. Criteria: ACMG Guidelines, 2015. Collection method: clinical testing. Allele origin: germline. Affected: yes.
Comment: The missense variant p.E2375V in COL12A1 (NM_004370.6) has not been reported previously as a pathogenic variant nor as a benign variant, to our knowledge. The p.E2375V variant is novel (not in any individuals) in gnomAD Exomes and is novel (not in any individuals) in 1000 Genomes. The p.E2375V missense variant is predicted to be damaging by both SIFT and PolyPhen2. The glutamic acid residue at codon 2375 of COL12A1 is conserved in all mammalian species. The nucleotide c.7124 in COL12A1 is predicted conserved by GERP++ and PhyloP across 100 vertebrates. For these reasons, this variant has been classified as Uncertain Significance.

NM_004370.6(COL12A1):c.7124A>T (p.Glu2375Val)

Genes: COL12A1 (collagen type XII alpha 1 chain; minus strand), LOC126859712 (MED14-independent group 3 enhancer GRCh37_chr6:75828643-75829842; plus strand). Cytogenetic location: 6q13.
Variant type: single nucleotide variant.
Coding change: c.7124A>T on transcript NM_004370.6 (MANE Select); coding-DNA position 7124, A replaced by T.
Protein change: p.Glu2375Val; replaces glutamic acid 2375 with valine.
Molecular consequence: missense variant.
Genome position (GRCh38, 1-based): chr6:75,119,436, T>A on the plus strand (A>T on the coding strand, the complement: COL12A1 is on the minus strand). VCF-style: chr6-75119436-T-A. GRCh37 (hg19) VCF-style: chr6-75829152-T-A.
Other names: c.3632A>T, p.Glu1211Val (NM_080645.3); c.[7124A>T] (NM_004370.6); short protein forms E1211V, E2375V.
Identifiers: ClinVar variation 1339056 (VCV001339056.2), dbSNP rs2149366807, ClinGen allele CA364748979.